The following is an entry in ClinVar:

NC_000020.10:g.(?_62298812)_(62298916_?)del

Gene: RTEL1 (regulator of telomere elongation helicase 1; plus strand). Cytogenetic location: 20q13.33.
Variant type: Deletion.
Identifiers: ClinVar variation 1071518 (VCV001071518.8).

ClinVar aggregate classification (germline): Pathogenic (1 of 4 stars; one submission).

Conditions:
Dyskeratosis congenita, autosomal recessive 5 (DKCB5). Identifiers: MedGen C3554656, MONDO:0014076, OMIM 615190.
Pulmonary fibrosis and/or bone marrow failure, Telomere-related, 3. Also called: PULMONARY FIBROSIS AND/OR BONE MARROW FAILURE SYNDROME, TELOMERE-RELATED, 3. Identifiers: Orphanet 2032, MedGen C4225346, MONDO:0014613, OMIM 616373.

Submission:

Labcorp Genetics (formerly Invitae), Labcorp
Classification: Pathogenic for Dyskeratosis congenita, autosomal recessive 5; Pulmonary fibrosis and/or bone marrow failure, Telomere-related, 3. Last evaluated: 2020-07-16. Review status: criteria provided, single submitter. Criteria: Invitae Variant Classification Sherloc (09022015). Collection method: clinical testing. Allele origin: germline.
Comment: This variant is an out-of-frame deletion of the genomic region encompassing exon(s) 8 of the RTEL1 gene. This is expected to create a premature translational stop signal and result in an absent or disrupted protein product. This variant has not been reported in the literature in individuals with RTEL1-related conditions. Loss-of-function variants in RTEL1 are known to be pathogenic (PMID: 23453664, 23959892, 25607374). For these reasons, this variant has been classified as Pathogenic.

Literature cited by the submitters: PubMed 23453664; PubMed 23959892; PubMed 25607374.